The following is an entry in ClinVar:

NM_000312.4(PROC):c.169C>T (p.Arg57Trp)

Gene: PROC (protein C, inactivator of coagulation factors Va and VIIIa; plus strand). Cytogenetic location: 2q14.3.
Variant type: single nucleotide variant.
Coding change: c.169C>T on transcript NM_000312.4 (MANE Select); coding-DNA position 169, C replaced by T.
Protein change: p.Arg57Trp; replaces arginine 57 with tryptophan.
Molecular consequence: missense variant.
Genome position (GRCh38, 1-based): chr2:127,421,381, C>T. VCF-style: chr2-127421381-C-T. GRCh37 (hg19) VCF-style: chr2-128178957-C-T.
Other names: c.352C>T, p.Arg118Trp (NM_001375602.1); c.232C>T, p.Arg78Trp (NM_001375603.1, NM_001375604.1, NM_001375606.1); c.169C>T, p.Arg57Trp (NM_001375605.1, NM_001375608.1, NM_001375611.1 and 1 more transcripts); c.253C>T, p.Arg85Trp (NM_001375607.1); c.145C>T, p.Arg49Trp (NM_001375609.1); c.163C>T, p.Arg55Trp (NM_001375610.1); short protein forms R57W, R118W, R49W, R55W, R78W, R85W.
Identifiers: ClinVar variation 188230 (VCV000188230.29), dbSNP rs757583846, ClinGen allele CA334388.

ClinVar aggregate classification (germline): Pathogenic/Likely pathogenic. Review status: criteria provided, multiple submitters, no conflicts (2 of 4 stars). 7 submissions from 7 submitters: Pathogenic (3); Likely pathogenic (3). 1 of the submissions does not count toward it. Last evaluated 2025-11-25.

Conditions:
Hereditary thrombophilia due to congenital protein C deficiency. Identifiers: Orphanet 745, MedGen C0598221, MONDO:0019145.
Thrombophilia due to protein C deficiency, autosomal dominant. Also called: PROC DEFICIENCY, AUTOSOMAL DOMINANT; PROTEIN C DEFICIENCY, AUTOSOMAL DOMINANT. Identifiers: Orphanet 745, MedGen C2674321, MONDO:0008316, OMIM 176860. Disease mechanism: loss of function.
Thrombophilia due to protein C deficiency, autosomal recessive. Also called: PROC DEFICIENCY, AUTOSOMAL RECESSIVE; PROTEIN C DEFICIENCY, AUTOSOMAL RECESSIVE. Identifiers: Orphanet 745, MedGen C2676759, MONDO:0012860, OMIM 612304.

Allele frequency attached by ClinVar (database versions not stated): ExAC 0.00002; gnomAD 0.00002; gnomAD exomes 0.00002; TOPMed 0.00003.

Submissions (7):

Labcorp Genetics (formerly Invitae), Labcorp
Classification: Pathogenic for Thrombophilia due to protein C deficiency, autosomal dominant. Last evaluated: 2025-11-25. Review status: criteria provided, single submitter. Criteria: Invitae Variant Classification Sherloc (09022015). Collection method: clinical testing. Allele origin: germline.
Comment: This sequence change replaces arginine, which is basic and polar, with tryptophan, which is neutral and slightly polar, at codon 57 of the PROC protein (p.Arg57Trp). This variant is present in population databases (rs757583846, gnomAD 0.006%). This missense change has been observed in individual(s) with protein C deficiency (PMID: 7482420, 7792728, 8446940, 8499568, 14642106). It has also been observed to segregate with disease in related individuals. This variant is also known as c.1432C>T, Arg15Trp, and C5498T. ClinVar contains an entry for this variant (Variation ID: 188230). An algorithm developed to predict the effect of missense changes on protein structure and function (PolyPhen-2) suggests that this variant is likely to be disruptive. This variant disrupts the p.Arg57 amino acid residue in PROC. Other variant(s) that disrupt this residue have been determined to be pathogenic (PMID: 1464619, 1498334, 1771629, 8477066, 8505327). This suggests that this residue is clinically significant, and that variants that disrupt this residue are likely to be disease-causing. For these reasons, this variant has been classified as Pathogenic.

Fulgent Genetics
Classification: Likely pathogenic for Thrombophilia due to protein C deficiency, autosomal dominant; Thrombophilia due to protein C deficiency, autosomal recessive. Last evaluated: 2024-01-09. Review status: criteria provided, single submitter. Criteria: ACMG Guidelines, 2015. Collection method: clinical testing. Allele origin: germline.

Mayo Clinic Laboratories, Mayo Clinic
Classification: Pathogenic. Last evaluated: 2023-08-31. Review status: criteria provided, single submitter. Criteria: ACMG Guidelines, 2015. Collection method: clinical testing. Allele origin: germline. Observed: 4 variant alleles.
Comment: PP1_strong, PP3, PM1, PM2_moderate, PM3_supporting, PM5, PS4_moderate

MGZ Medical Genetics Center
Classification: Likely pathogenic for Thrombophilia due to protein C deficiency, autosomal dominant. Last evaluated: 2021-11-15. Review status: criteria provided, single submitter. Criteria: ACMG Guidelines, 2015. Collection method: clinical testing. Allele origin: germline. Affected: yes. Observed: 1 variant allele.
Comment: ACMG criteria applied: PS3, PM2_SUP, PP1, PP3

GeneDx
Classification: Likely pathogenic. Last evaluated: 2015-06-08. Review status: criteria provided, single submitter. Criteria: GeneDx Variant Classification (06012015). Collection method: clinical testing. Allele origin: germline. Affected: yes.
Comment: The R57W variant in the PROC gene has been reported previously in association with protein C deficiency (Zhou et al., 2003 [article in Chinese]; Stenson et al., 2014). The R57W variant was not observed in approximately 6,500 individuals of European and African American ancestry in the NHLBI Exome Sequencing Project, indicating it is not a common benign variant in these populations. The R57W variant is a non-conservative amino acid substitution, which is likely to impact secondary protein structure as these residues differ in polarity, charge, size and/or other properties. This substitution occurs at a position that is conserved across species. In silico analysis predicts this variant is probably damaging to the protein structure/function. Other missense variants at the same residue and in nearby residues have been reported in the Human Gene Mutation Database in association with protein C deficiency (Stenson et al., 2014), supporting the functional importance of this region of the protein. The R57W variant is a strong candidate for a disease-causing variant, however the possibility it may be a rare benign variant cannot be excluded.

Juno Genomics, Hangzhou Juno Genomics, Inc
Classification: Pathogenic for Thrombophilia due to protein C deficiency, autosomal dominant; Thrombophilia due to protein C deficiency, autosomal recessive. Review status: criteria provided, single submitter. Criteria: ACMG Guidelines, 2015. Collection method: clinical testing. Allele origin: germline.
Comment: Absent from controls (or at extremely low frequency if recessive) in Genome Aggregation Database.;Multiple lines of computational evidence support a deleterious effect on the gene or gene product.;Co-segregation with disease in multiple affected family members.;Located in a mutational hot spot and/or critical and well-established functional domain without benign variation.;For recessive disorders, detected in trans with a pathogenic variant.;The prevalence of the variant in affected individuals is significantly increased compared to the prevalence in controls.

Molecular Genetics Laboratory, BC Children's and BC Women's Hospitals
Classification: Likely pathogenic for Hereditary thrombophilia due to congenital protein C deficiency. Last evaluated: 2025-05-26. Review status: no assertion criteria provided. Criteria: ACMG Guidelines, 2015. Collection method: clinical testing. Allele origin: unknown. Affected: yes. Not counted in ClinVar's aggregate classification.

Literature cited by the submitters: PubMed 7482420 (cited by Labcorp Genetics (formerly Invitae), Labcorp); PubMed 7792728 (cited by Labcorp Genetics (formerly Invitae), Labcorp and Mayo Clinic Laboratories, Mayo Clinic); PubMed 8446940 (cited by Labcorp Genetics (formerly Invitae), Labcorp and Mayo Clinic Laboratories, Mayo Clinic); PubMed 8499568 (cited by Labcorp Genetics (formerly Invitae), Labcorp and Mayo Clinic Laboratories, Mayo Clinic); PubMed 14642106 (cited by Labcorp Genetics (formerly Invitae), Labcorp); PubMed 1464619 (cited by Labcorp Genetics (formerly Invitae), Labcorp); PubMed 1498334 (cited by Labcorp Genetics (formerly Invitae), Labcorp); PubMed 1771629 (cited by Labcorp Genetics (formerly Invitae), Labcorp); PubMed 8477066 (cited by Labcorp Genetics (formerly Invitae), Labcorp); PubMed 8505327 (cited by Labcorp Genetics (formerly Invitae), Labcorp); PubMed 22321166 (cited by Mayo Clinic Laboratories, Mayo Clinic); PubMed 27838551 (cited by Mayo Clinic Laboratories, Mayo Clinic); PubMed 28607330 (cited by Mayo Clinic Laboratories, Mayo Clinic); PubMed 32309994 (cited by Mayo Clinic Laboratories, Mayo Clinic).